The following is an entry in ClinVar:

ClinVar aggregate classification (germline): Benign/Likely benign. Review status: criteria provided, multiple submitters, no conflicts (2 of 4 stars). 2 submissions from 2 submitters: Benign (1); Likely benign (1). Last evaluated 2026-01-19.

Allele frequency attached by ClinVar (database versions not stated): 1000 Genomes Project 30x 0.00016; 1000 Genomes Project 0.00020.
gnomAD v4.1: 72 of 1,599,446 alleles (0.0045%); highest among the groups gnomAD compares: Middle Eastern, 0.017%; no homozygotes.

Submissions (2):

Labcorp Genetics (formerly Invitae), Labcorp
Classification: Benign. Last evaluated: 2026-01-19. Review status: criteria provided, single submitter. Criteria: Invitae Variant Classification Sherloc (09022015). Collection method: clinical testing. Allele origin: germline.

CeGaT Center for Human Genetics Tuebingen
Classification: Likely benign. Last evaluated: 2023-11-01. Review status: criteria provided, single submitter. Criteria: CeGaT Center For Human Genetics Tuebingen Variant Classification Criteria Version 2. Collection method: clinical testing. Allele origin: germline. Affected: yes. Observed: 1 variant allele.
Comment: AUTS2: BP4

NM_015570.4(AUTS2):c.2786C>G (p.Ala929Gly)

Gene: AUTS2 (activator of transcription and developmental regulator AUTS2; plus strand). Cytogenetic location: 7q11.22.
Variant type: single nucleotide variant.
Coding change: c.2786C>G on transcript NM_015570.4 (MANE Select); coding-DNA position 2786, C replaced by G.
Protein change: p.Ala929Gly; replaces alanine 929 with glycine.
Molecular consequence: missense variant.
Genome position (GRCh38, 1-based): chr7:70,790,002, C>G. VCF-style: chr7-70790002-C-G. GRCh37 (hg19) VCF-style: chr7-70254988-C-G.
Other names: c.2714C>G, p.Ala905Gly (NM_001127231.3); short protein forms A905G, A929G.
Identifiers: ClinVar variation 2200972 (VCV002200972.27), dbSNP rs200872171, ClinGen allele CA4281181.